The following is an entry in ClinVar:

NM_025074.7(FRAS1):c.1072-5C>T

Gene: FRAS1 (Fraser extracellular matrix complex subunit 1; plus strand). Cytogenetic location: 4q21.21.
Variant type: single nucleotide variant.
Coding change: c.1072-5C>T on transcript NM_025074.7 (MANE Select); 5 bases into the intron before coding-DNA position 1072, C replaced by T.
Molecular consequence: intron variant.
Genome position (GRCh38, 1-based): chr4:78,281,393, C>T. VCF-style: chr4-78281393-C-T. GRCh37 (hg19) VCF-style: chr4-79202547-C-T.
Other names: c.1072-5C>T (NM_001166133.2).
Identifiers: ClinVar variation 905661 (VCV000905661.17), dbSNP rs570183677, ClinGen allele CA2976166.

ClinVar aggregate classification (germline): Benign/Likely benign. Review status: criteria provided, multiple submitters, no conflicts (2 of 4 stars). 5 submissions from 5 submitters: Benign (2); Likely benign (3). Last evaluated 2026-02-04.

Conditions:
Fraser syndrome 1 (FRASRS1). Also called: CRYPTOPHTHALMOS WITH OTHER MALFORMATIONS. Identifiers: Orphanet 2052, MedGen C4551480, MONDO:0054737, OMIM 219000.

Allele frequency attached by ClinVar (database versions not stated): gnomAD 0.00006 and 0.00052; TOPMed 0.00013; gnomAD exomes 0.00121; 1000 Genomes Project 30x 0.00187; 1000 Genomes Project 0.00200; ExAC 0.00234.
gnomAD v4.1: 968 of 1,568,258 alleles (0.062%); highest among the groups gnomAD compares: South Asian, 1.1%; 10 homozygotes.

Submissions (5):

Labcorp Genetics (formerly Invitae), Labcorp
Classification: Benign. Last evaluated: 2026-02-04. Review status: criteria provided, single submitter. Criteria: Invitae Variant Classification Sherloc (09022015). Collection method: clinical testing. Allele origin: germline.

CeGaT Center for Human Genetics Tuebingen
Classification: Likely benign. Last evaluated: 2026-01-01. Review status: criteria provided, single submitter. Criteria: CeGaT Center For Human Genetics Tuebingen Variant Classification Criteria Version 2. Collection method: clinical testing. Allele origin: germline. Affected: yes. Observed: 1 variant allele.
Comment: FRAS1: BP4, BS1

Blueprint Genetics
Classification: Likely benign. Last evaluated: 2024-10-22. Review status: criteria provided, single submitter. Criteria: ACMG Guidelines, 2015. Collection method: clinical testing. Allele origin: germline.

Fulgent Genetics
Classification: Likely benign for Fraser syndrome 1. Last evaluated: 2022-05-07. Review status: criteria provided, single submitter. Criteria: ACMG Guidelines, 2015. Collection method: clinical testing. Allele origin: unknown.

Illumina Laboratory Services, Illumina
Classification: Benign for Fraser syndrome 1. Last evaluated: 2018-01-13. Review status: criteria provided, single submitter. Criteria: ICSL Variant Classification Criteria 13 December 2019. Collection method: clinical testing. Allele origin: germline.
Comment: This variant was observed in the ICSL laboratory as part of a predisposition screen in an ostensibly healthy population. It had not been previously curated by ICSL or reported in the Human Gene Mutation Database (HGMD: prior to June 1st, 2018), and was therefore a candidate for classification through an automated scoring system. Utilizing variant allele frequency, disease prevalence and penetrance estimates, and inheritance mode, an automated score was calculated to assess if this variant is too frequent to cause the disease. Based on the score and internal cut-off values, a variant classified as benign is not then subjected to further curation. The score for this variant resulted in a classification of benign for this disease.